The following is an entry in ClinVar:

ClinVar aggregate classification (germline): Uncertain significance. Review status: criteria provided, multiple submitters, no conflicts (2 of 4 stars). 3 submissions from 3 submitters: Uncertain significance (3). Last evaluated 2025-04-30.

Conditions:
Xanthinuria type II. Also called: Xanthine dehydrogenase and aldehyde oxidase combined deficiency of; XDH and AOX dual deficiency. Identifiers: Orphanet 3467, Orphanet 93602, MedGen C1863688, MONDO:0011346, OMIM 603592.
Inborn genetic diseases. Identifiers: MedGen C0950123, MeSH D030342.
XDH-related disorder. Also called: XDH-related condition.

Allele frequency attached by ClinVar (database versions not stated): ExAC 0.00002; gnomAD 0.00006; TOPMed 0.00008.
gnomAD v4.1: 92 of 1,613,906 alleles (0.0057%); highest among the groups gnomAD compares: Non-Finnish European, 0.0072%; no homozygotes.

Submissions (3):

Ambry Genetics
Classification: Uncertain significance for Inborn genetic diseases. Last evaluated: 2025-04-30. Review status: criteria provided, single submitter. Criteria: Ambry Variant Classification Scheme 2023. Collection method: clinical testing. Allele origin: germline.

PreventionGenetics, part of Exact Sciences
Classification: Uncertain significance for XDH-related condition. Last evaluated: 2024-10-20. Review status: criteria provided, single submitter. Criteria: ACMG Guidelines, 2015. Collection method: clinical testing. Allele origin: germline.
Comment: The XDH c.3310C>T variant is predicted to result in the amino acid substitution p.Pro1104Ser. To our knowledge, this variant has not been reported in the literature. This variant is reported in 0.0085% of alleles in individuals of Latino descent in gnomAD. At this time, the clinical significance of this variant is uncertain due to the absence of conclusive functional and genetic evidence.

Labcorp Genetics (formerly Invitae), Labcorp
Classification: Uncertain significance for Xanthinuria type II. Last evaluated: 2022-05-05. Review status: criteria provided, single submitter. Criteria: Invitae Variant Classification Sherloc (09022015). Collection method: clinical testing. Allele origin: germline.
Comment: This sequence change replaces proline, which is neutral and non-polar, with serine, which is neutral and polar, at codon 1104 of the XDH protein (p.Pro1104Ser). This variant is present in population databases (rs558670995, gnomAD 0.009%). This variant has not been reported in the literature in individuals affected with XDH-related conditions. Algorithms developed to predict the effect of missense changes on protein structure and function are either unavailable or do not agree on the potential impact of this missense change (SIFT: "Deleterious"; PolyPhen-2: "Probably Damaging"; Align-GVGD: "Class C0"). In summary, the available evidence is currently insufficient to determine the role of this variant in disease. Therefore, it has been classified as a Variant of Uncertain Significance.

NM_000379.4(XDH):c.3310C>T (p.Pro1104Ser)

Gene: XDH (xanthine dehydrogenase; minus strand). Cytogenetic location: 2p23.1.
Variant type: single nucleotide variant.
Coding change: c.3310C>T on transcript NM_000379.4 (MANE Select); coding-DNA position 3310, C replaced by T.
Protein change: p.Pro1104Ser; replaces proline 1104 with serine.
Molecular consequence: missense variant.
Genome position (GRCh38, 1-based): chr2:31,346,810, G>A on the plus strand (C>T on the coding strand, the complement: XDH is on the minus strand). VCF-style: chr2-31346810-G-A. GRCh37 (hg19) VCF-style: chr2-31569676-G-A.
Other names: short protein forms P1104S.
Identifiers: ClinVar variation 2060719 (VCV002060719.4), dbSNP rs558670995, ClinGen allele CA1598443.